The following is an entry in ClinVar:

ClinVar aggregate classification (germline): Conflicting classifications of pathogenicity. Review status: criteria provided, conflicting classifications (1 of 4 stars). 9 submissions from 9 submitters: Uncertain significance (1); Benign (2); Likely benign (5). 1 of the submissions does not count toward it. Last evaluated 2026-01-12.

Conditions:
Hereditary cancer-predisposing syndrome. Also called: Tumor predisposition; Hereditary neoplastic syndrome; Neoplastic Syndromes, Hereditary; Hereditary Cancer Syndrome. Identifiers: Orphanet 140162, MedGen C0027672, MeSH D009386, MONDO:0015356.
Tuberous sclerosis syndrome (TSC). Also called: Tuberous sclerosis; Tuberous Sclerosis Complex. Identifiers: Orphanet 805, MedGen C0041341, MONDO:0001734.
Tuberous sclerosis 2 (TSC2). Identifiers: Orphanet 805, MedGen C1860707, MONDO:0013199, OMIM 613254.

Allele frequency attached by ClinVar (database versions not stated): TOPMed 0.00003; gnomAD 0.00004; gnomAD exomes 0.00004 and 0.00008; ExAC 0.00005.
gnomAD v4.1: 65 of 1,613,880 alleles (0.004%); highest among the groups gnomAD compares: Non-Finnish European, 0.0042%; no homozygotes.

Submissions (9):

Labcorp Genetics (formerly Invitae), Labcorp
Classification: Benign for Tuberous sclerosis 2. Last evaluated: 2026-01-12. Review status: criteria provided, single submitter. Criteria: Invitae Variant Classification Sherloc (09022015). Collection method: clinical testing. Allele origin: germline.

Myriad Genetics, Inc.
Classification: Likely benign for Tuberous sclerosis 2. Last evaluated: 2025-05-13. Review status: criteria provided, single submitter. Criteria: Myriad Autosomal Dominant, Autosomal Recessive and X-Linked Classification Criteria (2023). Collection method: clinical testing. Allele origin: unknown.
Comment: This variant is considered likely benign. This variant has been observed at a population frequency that is significantly greater than expected given the associated disease prevalence and penetrance.

Blueprint Genetics
Classification: Likely benign. Last evaluated: 2024-06-13. Review status: criteria provided, single submitter. Criteria: ACMG Guidelines, 2015. Collection method: clinical testing. Allele origin: germline.

Color Diagnostics, LLC DBA Color Health
Classification: Uncertain significance for Tuberous sclerosis syndrome. Last evaluated: 2024-03-25. Review status: criteria provided, single submitter. Criteria: ACMG Guidelines, 2015. Collection method: clinical testing. Allele origin: germline.
Comment: This missense variant replaces valine with leucine at codon 356 of the TSC2 protein. Computational prediction is inconclusive regarding the impact of this variant on protein structure and function. To our knowledge, functional studies have not been reported for this variant. This variant has not been reported in individuals affected with hereditary cancer in the literature. This variant has been identified in 21/251238 chromosomes in the general population by the Genome Aggregation Database (gnomAD). The available evidence is insufficient to determine the role of this variant in disease conclusively. Therefore, this variant is classified as a Variant of Uncertain Significance.

Sema4
Classification: Likely benign for Hereditary cancer-predisposing syndrome. Last evaluated: 2022-03-09. Review status: criteria provided, single submitter. Criteria: Sema4 Curation Guidelines. Collection method: curation. Allele origin: germline.

Genome-Nilou Lab
Classification: Benign for Tuberous sclerosis 2. Last evaluated: 2021-11-07. Review status: criteria provided, single submitter. Criteria: ACMG Guidelines, 2015. Collection method: clinical testing. Allele origin: germline. Affected: no.

GeneDx
Classification: Likely benign. Last evaluated: 2021-05-07. Review status: criteria provided, single submitter. Criteria: GeneDx Variant Classification Process June 2021. Collection method: clinical testing. Allele origin: germline. Affected: yes.
Comment: This variant is associated with the following publications: (PMID: 24728327)

Ambry Genetics
Classification: Likely benign for Hereditary cancer-predisposing syndrome. Last evaluated: 2020-08-11. Review status: criteria provided, single submitter. Criteria: Ambry Variant Classification Scheme 2023. Collection method: clinical testing. Allele origin: germline.

ITMI
No classification provided. Condition: AllHighlyPenetrant. Last evaluated: 2013-09-19. Review status: no classification provided. Collection method: reference population. Allele origin: germline. Not counted in ClinVar's aggregate classification.
Comment: Please see associated publication for description of ethnicities

Literature cited by the submitters: PubMed 24728327 (cited by ITMI).

NM_000548.5(TSC2):c.1066G>C (p.Val356Leu)

Gene: TSC2 (TSC complex subunit 2; plus strand). Cytogenetic location: 16p13.3.
Variant type: single nucleotide variant.
Coding change: c.1066G>C on transcript NM_000548.5 (MANE Select); coding-DNA position 1066, G replaced by C.
Protein change: p.Val356Leu; replaces valine 356 with leucine.
Molecular consequence: missense variant.
Genome position (GRCh38, 1-based): chr16:2,060,760, G>C. VCF-style: chr16-2060760-G-C. GRCh37 (hg19) VCF-style: chr16-2110761-G-C.
Other names: p.V356L:GTG>CTG; c.1066G>C, p.Val356Leu (NM_001077183.3, NM_001114382.3, NM_001363528.2 and 3 more transcripts); c.955G>C, p.Val319Leu (NM_001318827.2); c.919G>C, p.Val307Leu (NM_001318829.2); c.466G>C, p.Val156Leu (NM_001318831.2); c.1099G>C, p.Val367Leu (NM_001318832.2); short protein forms V356L, V319L, V367L, V156L, V307L.
Identifiers: ClinVar variation 135370 (VCV000135370.23), dbSNP rs587778728, ClinGen allele CA013667.
Genomic context (GRCh38, chr16:2,060,760, plus strand): 5'-TATGAGATCGTCCTGTCCATCACCAGGCTCATCAAGAAGTATAGGAAGGAGCTCCAGGTG[G>C]TGGCGTGGGACATTCTGCTGAACATCATCGAACGGCTCCTTCAGCAGCTCCAGGTGGGGT-3'
Protein context (NP_000539.2, residues 346-366): IKKYRKELQV[Val356Leu]AWDILLNIIE